The following is an entry in ClinVar:

ClinVar aggregate classification (germline): Uncertain significance (1 of 4 stars; one submission).

gnomAD v4.1: 11 of 1,551,572 alleles (0.00071%); highest among the groups gnomAD compares: African/African-American, 0.011%; no homozygotes.

Submission:

Greenwood Genetic Center Diagnostic Laboratories, Greenwood Genetic Center
Classification: Uncertain significance. Last evaluated: 2025-05-27. Review status: criteria provided, single submitter. Criteria: ACMG Guidelines, 2015. Collection method: clinical testing. Allele origin: germline. Affected: yes.
Comment: PM2, BP4

NM_138775.3(ALKBH8):c.1644G>A (p.Met548Ile)

Gene: ALKBH8 (alkB homolog 8, tRNA methyltransferase; minus strand). Cytogenetic location: 11q22.3.
Variant type: single nucleotide variant.
Coding change: c.1644G>A on transcript NM_138775.3 (MANE Select); coding-DNA position 1644, G replaced by A.
Protein change: p.Met548Ile; replaces methionine 548 with isoleucine.
Molecular consequence: missense variant. On other transcripts: non-coding transcript variant (6).
Genome position (GRCh38, 1-based): chr11:107,505,009, C>T on the plus strand (G>A on the coding strand, the complement: ALKBH8 is on the minus strand). VCF-style: chr11-107505009-C-T. GRCh37 (hg19) VCF-style: chr11-107375735-C-T.
Other names: c.1644G>A, p.Met548Ile (NM_001301010.3); c.1494G>A, p.Met498Ile (NM_001378133.1); short protein forms M498I, M548I.
Identifiers: ClinVar variation 4538262 (VCV004538262.1).